The following is an entry in ClinVar:

ClinVar aggregate classification (germline): Uncertain significance (1 of 4 stars; one submission).

Conditions:
Hereditary cancer-predisposing syndrome. Also called: Neoplastic Syndromes, Hereditary; Tumor predisposition; Hereditary Cancer Syndrome; Hereditary neoplastic syndrome. Identifiers: Orphanet 140162, MedGen C0027672, MeSH D009386, MONDO:0015356.

Submission:

Ambry Genetics
Classification: Uncertain significance for Hereditary cancer-predisposing syndrome. Last evaluated: 2022-08-11. Review status: criteria provided, single submitter. Criteria: Ambry Variant Classification Scheme 2023. Collection method: clinical testing. Allele origin: germline.
Comment: The c.1257delC variant, located in coding exon 9 of the STK11 gene, results from a deletion of one nucleotide at nucleotide position 1257, causing a translational frameshift with a predicted alternate stop codon (p.S419Sfs). This alteration occurs at the 3' terminus of theSTK11 gene, is not expected to trigger nonsense-mediated mRNAdecay and results in the elongation of the protein by 60 amino acids. This frameshift impacts the last 14amino acids of the native protein. The exact functional effect of the altered amino acids is unknown. Since supporting evidence is limited at this time, the clinical significance of this alteration remains unclear.

NM_000455.5(STK11):c.1257del (p.Ala420fs)

Gene: STK11 (serine/threonine kinase 11; plus strand). Cytogenetic location: 19p13.3.
Variant type: Deletion.
Coding change: c.1257del on transcript NM_000455.5 (MANE Select); coding-DNA position 1257, one base deleted (C; older notation c.1257delC).
Protein change: p.Ala420fs; shifts the reading frame from alanine 420.
Molecular consequence: frameshift variant.
Genome position (GRCh38, 1-based): chr19:1,226,602, C deleted; the last of 2 consecutive C bases (chr19:1,226,601-1,226,602); deleting either gives the same sequence. VCF-style (leftmost placement, unchanged base first): chr19-1226600-TC-T. GRCh37 (hg19) VCF-style: chr19-1226599-TC-T.
Other names: short protein forms A420fs.
Identifiers: ClinVar variation 1762097 (VCV001762097.2), dbSNP rs2512955274, ClinGen allele CA2580096042.